The following is an entry in ClinVar:

ClinVar aggregate classification (germline): Conflicting classifications of pathogenicity. Review status: criteria provided, conflicting classifications (1 of 4 stars). 4 submissions from 4 submitters: Uncertain significance (3); Likely benign (1). Last evaluated 2024-08-28.

Conditions:
Hereditary breast ovarian cancer syndrome. Also called: Hereditary breast and ovarian cancer; Hereditary breast and ovarian cancer syndrome; Hereditary breast and ovarian cancer syndrome (HBOC); Breast and ovarian cancer; BRCA1- and BRCA2-Associated Hereditary Breast and Ovarian Cancer; Hereditary breast and/or ovarian cancer syndrome. Identifiers: Orphanet 145, MedGen C0677776, MeSH D061325, MONDO:0003582. Disease mechanism: loss of function.
Breast-ovarian cancer, familial, susceptibility to, 1 (BROVCA1). Also called: BRCA1 Hereditary Breast and Ovarian Cancer; OVARIAN CANCER, SUSCEPTIBILITY TO. Identifiers: Orphanet 145, MedGen C2676676, MONDO:0011450, OMIM 604370. Disease mechanism: loss of function.
Fanconi anemia, complementation group S (FANCS). Identifiers: MedGen C4554406, MONDO:0054748, OMIM 617883.
Pancreatic cancer, susceptibility to, 4. Identifiers: Orphanet 1333, MedGen C3280442, MONDO:0013685, OMIM 614320.
Hereditary cancer-predisposing syndrome. Also called: Tumor predisposition; Neoplastic Syndromes, Hereditary; Hereditary Cancer Syndrome; Hereditary neoplastic syndrome. Identifiers: Orphanet 140162, MedGen C0027672, MeSH D009386, MONDO:0015356.

Allele frequency attached by ClinVar (database versions not stated): gnomAD exomes below 0.00001.
gnomAD v4.1: 1 of 1,614,198 alleles (0.000062%); highest among the groups gnomAD compares: Non-Finnish European, 0.000085%; no homozygotes.

Submissions (4):

Ambry Genetics
Classification: Uncertain significance for Hereditary cancer-predisposing syndrome. Last evaluated: 2024-08-28. Review status: criteria provided, single submitter. Criteria: Ambry Variant Classification Scheme 2023. Collection method: clinical testing. Allele origin: germline.
Comment: The p.S1292C variant (also known as c.3875C>G), located in coding exon 9 of the BRCA1 gene, results from a C to G substitution at nucleotide position 3875. The serine at codon 1292 is replaced by cysteine, an amino acid with dissimilar properties. This amino acid position is highly conserved in available vertebrate species. In addition, this alteration is predicted to be deleterious by in silico analysis. Based on the available evidence, the clinical significance of this variant remains unclear.

Labcorp Genetics (formerly Invitae), Labcorp
Classification: Uncertain significance for Hereditary breast ovarian cancer syndrome. Last evaluated: 2024-07-02. Review status: criteria provided, single submitter. Criteria: Invitae Variant Classification Sherloc (09022015). Collection method: clinical testing. Allele origin: germline.
Comment: This sequence change replaces serine, which is neutral and polar, with cysteine, which is neutral and slightly polar, at codon 1292 of the BRCA1 protein (p.Ser1292Cys). This variant is not present in population databases (gnomAD no frequency). This variant has not been reported in the literature in individuals affected with BRCA1-related conditions. ClinVar contains an entry for this variant (Variation ID: 576678). Advanced modeling of protein sequence and biophysical properties (such as structural, functional, and spatial information, amino acid conservation, physicochemical variation, residue mobility, and thermodynamic stability) has been performed at Invitae for this missense variant, however the output from this modeling did not meet the statistical confidence thresholds required to predict the impact of this variant on BRCA1 protein function. In summary, the available evidence is currently insufficient to determine the role of this variant in disease. Therefore, it has been classified as a Variant of Uncertain Significance.

Fulgent Genetics
Classification: Uncertain significance for Breast-ovarian cancer, familial, susceptibility to, 1; Pancreatic cancer, susceptibility to, 4; Fanconi anemia, complementation group S. Last evaluated: 2024-03-20. Review status: criteria provided, single submitter. Criteria: ACMG Guidelines, 2015. Collection method: clinical testing. Allele origin: germline.

University of Washington Department of Laboratory Medicine, University of Washington
Classification: Likely benign for Hereditary cancer-predisposing syndrome. Last evaluated: 2023-03-23. Review status: criteria provided, single submitter. Criteria: Dines et al. (Genet Med. 2020). Collection method: curation. Allele origin: germline.
Comment: Missense variant in a coldspot region where missense variants are very unlikely to be pathogenic (PMID:31911673).

BRCA1 coldspot (exon 11 using historical exon numbering). Reclassification based on statistical prior probability

NM_007294.4(BRCA1):c.3875C>G (p.Ser1292Cys)

Genes: BRCA1 (BRCA1 DNA repair associated; minus strand), LOC126862571 (BRD4-independent group 4 enhancer GRCh37_chr17:41243136-41244335; plus strand). Cytogenetic location: 17q21.31.
Variant type: single nucleotide variant.
Coding change: c.3875C>G on transcript NM_007294.4 (MANE Select); coding-DNA position 3875, C replaced by G.
Protein change: p.Ser1292Cys; replaces serine 1292 with cysteine.
Molecular consequence: missense variant. On other transcripts: intron variant (135).
Genome position (GRCh38, 1-based): chr17:43,091,656, G>C on the plus strand (C>G on the coding strand, the complement: BRCA1 is on the minus strand). VCF-style: chr17-43091656-G-C. GRCh37 (hg19) VCF-style: chr17-41243673-G-C.
Other names: c.3539C>G, p.Ser1180Cys (NM_001407956.1, NM_001407958.1, NM_001407954.1 and 1 more transcripts); c.3542C>G, p.Ser1181Cys (NM_001407957.1, NM_001407946.1, NM_001407947.1 and 6 more transcripts); c.3494C>G, p.Ser1165Cys (NM_001407959.1, NM_001407960.1, NM_001407963.1); c.3734C>G, p.Ser1245Cys (NM_007297.4, NM_001407692.1, NM_001407694.1 and 29 more transcripts); c.3875C>G, p.Ser1292Cys (NM_007300.4, NM_001407581.1, NM_001407582.1 and 30 more transcripts); c.647-624C>G (NM_001408458.1, NM_001408469.1, NM_001408453.1 and 11 more transcripts); c.284-624C>G (NM_001408512.1); c.407-624C>G (NM_001408510.1); and 41 more; short protein forms S1292C, S1245C, S1124C, S1165C, S1222C, S1225C, S1265C, S1204C.
Identifiers: ClinVar variation 576678 (VCV000576678.16), dbSNP rs876658340, ClinGen allele CA10594212.
Genomic context (GRCh38, chr17:43,091,656, plus strand): 5'-GTGTTTGTATTTGCAGTCAAGTCTTCCAATTCACTGCACTGTGAAGAAAACAAGCTAGCA[G>C]AACATTTTGTTTCCTCACTAAGGTGATGTTCCTGAGATGCCTTTGCCAATATTACCTGGT-3'
Protein context (NP_009225.1, residues 1282-1302): EHHLSEETKC[Ser1292Cys]ASLFSSQCSE